The following is an entry in ClinVar:

NC_000007.13:g.(?_158734596)_(158738470_?)dup

Gene: DYNC2I1 (dynein 2 intermediate chain 1; plus strand). Cytogenetic location: 7q36.3.
Variant type: Duplication.
Identifiers: ClinVar variation 2426423 (VCV002426423.3).

ClinVar aggregate classification (germline): Uncertain significance (1 of 4 stars; one submission).

Conditions:
Short-rib thoracic dysplasia 8 with or without polydactyly (SRTD8). Also called: SHORT-RIB THORACIC DYSPLASIA 8 WITH POLYDACTYLY. Identifiers: Orphanet 93271, MedGen C3809691, MONDO:0014214, OMIM 615503.

Submission:

Labcorp Genetics (formerly Invitae), Labcorp
Classification: Uncertain significance for Short-rib thoracic dysplasia 8 with or without polydactyly. Last evaluated: 2022-07-05. Review status: criteria provided, single submitter. Criteria: Invitae Variant Classification Sherloc (09022015). Collection method: clinical testing. Allele origin: germline.
Comment: This variant results in a copy number gain of the genomic region encompassing exon(s) 24-25 of the WDR60 gene. This region includes the termination codon of the gene. This copy number gain extends beyond the assayed region for this gene and therefore may encompass additional genes. As the precise location of this event is unknown, it may be in tandem or it may be located elsewhere in the genome. This variant has not been reported in the literature in individuals affected with WDR60-related conditions. In summary, the available evidence is currently insufficient to determine the role of this variant in disease. Therefore, it has been classified as a Variant of Uncertain Significance.